The following is an entry in ClinVar:

ClinVar aggregate classification (germline): Benign (0 of 4 stars; one submission).

Conditions:
SEC23IP-related disorder. Also called: SEC23IP-related condition.

Allele frequency attached by ClinVar (database versions not stated): ESP Exome Variant Server 0.03944; TOPMed 0.04463; gnomAD 0.05518; gnomAD exomes 0.07057; ExAC 0.09750; 1000 Genomes Project 30x 0.10759; 1000 Genomes Project 0.11921.
gnomAD v4.1: 111,540 of 1,609,484 alleles (6.9%); highest among the groups gnomAD compares: South Asian, 25%; 6,558 homozygotes.

Submission:

PreventionGenetics, part of Exact Sciences
Classification: Benign for SEC23IP-related condition. Last evaluated: 2019-10-21. Review status: no assertion criteria provided. Collection method: clinical testing. Allele origin: germline.
Comment: This variant is classified as benign based on ACMG/AMP sequence variant interpretation guidelines (Richards et al. 2015 PMID: 25741868, with internal and published modifications).

NM_007190.4(SEC23IP):c.2133G>A (p.Ala711=)

Gene: SEC23IP (SEC23 interacting protein; plus strand). Cytogenetic location: 10q26.12.
Variant type: single nucleotide variant.
Coding change: c.2133G>A on transcript NM_007190.4 (MANE Select); coding-DNA position 2133, G replaced by A.
Protein change: p.Ala711=; no amino-acid change (alanine 711 retained).
Molecular consequence: synonymous variant. On other transcripts: non-coding transcript variant (1).
Genome position (GRCh38, 1-based): chr10:119,926,047, G>A. VCF-style: chr10-119926047-G-A. GRCh37 (hg19) VCF-style: chr10-121685559-G-A.
Other names: c.2133G>A, p.Ala711= (NM_001411070.1).
Identifiers: ClinVar variation 3055417 (VCV003055417.2), dbSNP rs12771873, ClinGen allele CA5718765.